The following is an entry in ClinVar:

NM_000094.4(COL7A1):c.4635+4A>T

Gene: COL7A1 (collagen type VII alpha 1 chain; minus strand). Cytogenetic location: 3p21.31.
Variant type: single nucleotide variant.
Coding change: c.4635+4A>T on transcript NM_000094.4 (MANE Select); 4 bases into the intron after coding-DNA position 4635, A replaced by T.
Molecular consequence: intron variant.
Genome position (GRCh38, 1-based): chr3:48,582,319, T>A on the plus strand (A>T on the coding strand, the complement: COL7A1 is on the minus strand). VCF-style: chr3-48582319-T-A. GRCh37 (hg19) VCF-style: chr3-48619752-T-A.
Identifiers: ClinVar variation 3628321 (VCV003628321.2).

ClinVar aggregate classification (germline): Uncertain significance (1 of 4 stars; one submission).

gnomAD v4.1: 4 of 1,613,910 alleles (0.00025%); highest among the groups gnomAD compares: Non-Finnish European, 0.00034%; no homozygotes.

Submission:

Labcorp Genetics (formerly Invitae), Labcorp
Classification: Uncertain significance. Last evaluated: 2024-03-26. Review status: criteria provided, single submitter. Criteria: Invitae Variant Classification Sherloc (09022015). Collection method: clinical testing. Allele origin: germline.
Comment: This sequence change falls in intron 46 of the COL7A1 gene. It does not directly change the encoded amino acid sequence of the COL7A1 protein. It affects a nucleotide within the consensus splice site. This variant is present in population databases (no rsID available, gnomAD 0.0009%). This variant has not been reported in the literature in individuals affected with COL7A1-related conditions. Variants that disrupt the consensus splice site are a relatively common cause of aberrant splicing (PMID: 17576681, 9536098). Algorithms developed to predict the effect of sequence changes on RNA splicing suggest that this variant may disrupt the consensus splice site. In summary, the available evidence is currently insufficient to determine the role of this variant in disease. Therefore, it has been classified as a Variant of Uncertain Significance.

Literature cited by the submitters: PubMed 17576681; PubMed 9536098.